The following is an entry in ClinVar:

ClinVar aggregate classification (germline): Conflicting classifications of pathogenicity. Review status: criteria provided, conflicting classifications (1 of 4 stars). 8 submissions from 7 submitters: Uncertain significance (5); Benign (1); Likely benign (2). Last evaluated 2026-05-20.

Conditions:
Cardiovascular phenotype. Identifiers: MedGen CN230736.
Hereditary cancer-predisposing syndrome. Also called: Hereditary Cancer Syndrome; Neoplastic Syndromes, Hereditary; Tumor predisposition; Hereditary neoplastic syndrome. Identifiers: Orphanet 140162, MedGen C0027672, MeSH D009386, MONDO:0015356.
Neurofibromatosis, type 1 (NF1). Also called: Peripheral type neurofibromatosis; Neurofibromatosis, type I; VON RECKLINGHAUSEN DISEASE; NEUROFIBROMATOSIS, TYPE I, SOMATIC. Identifiers: Orphanet 636, MedGen C0027831, MONDO:0018975, OMIM 162200. Disease mechanism: loss of function.
Neurofibromatosis-Noonan syndrome (NFNS). Also called: NEUROFIBROMATOSIS WITH NOONAN PHENOTYPE. Identifiers: Orphanet 638, MedGen C2931482, MONDO:0011035, OMIM 601321. Disease mechanism: loss of function.
Café-au-lait macules with pulmonary stenosis (WTSN). Also called: PULMONIC STENOSIS WITH CAFE-AU-LAIT SPOTS. Identifiers: MedGen C0553586, MONDO:0008672, OMIM 193520.
Neurofibromatosis, familial spinal (FSNF). Identifiers: Orphanet 636, MedGen C1834235, MONDO:0008078, OMIM 162210. Disease mechanism: loss of function.
Juvenile myelomonocytic leukemia (JMML). Also called: LEUKEMIA, JUVENILE MYELOMONOCYTIC, SOMATIC. Identifiers: Orphanet 86834, MedGen C0349639, MONDO:0011908, OMIM 607785, HP:0012209.

Allele frequency attached by ClinVar (database versions not stated): TOPMed 0.00002; 1000 Genomes Project 0.00020; gnomAD exomes 0.00001 and 0.00002; 1000 Genomes Project 30x 0.00016; ExAC 0.00002; gnomAD 0.00001.
gnomAD v4.1: 15 of 1,613,748 alleles (0.00093%); highest among the groups gnomAD compares: East Asian, 0.0045%; no homozygotes.

Submissions (8):

Myriad Genetics, Inc.
Classification: Benign for Neurofibromatosis, type 1. Last evaluated: 2026-05-20. Review status: criteria provided, single submitter. Criteria: Myriad Autosomal Dominant, Autosomal Recessive and X-Linked Classification Criteria (2023). Collection method: clinical testing. Allele origin: unknown.
Comment: This variant is considered benign. This variant is a silent/synonymous amino acid change and it is not expected to impact splicing.

Labcorp Genetics (formerly Invitae), Labcorp
Classification: Likely benign for Neurofibromatosis, type 1. Last evaluated: 2025-12-05. Review status: criteria provided, single submitter. Criteria: Invitae Variant Classification Sherloc (09022015). Collection method: clinical testing. Allele origin: germline.

Quest Diagnostics Nichols Institute San Juan Capistrano
Classification: Uncertain significance. Last evaluated: 2025-10-27. Review status: criteria provided, single submitter. Criteria: Quest Diagnostics criteria. Collection method: clinical testing. Allele origin: unknown.

Fulgent Genetics
Classification: Uncertain significance for Neurofibromatosis, type 1; Neurofibromatosis, familial spinal; Café-au-lait macules with pulmonary stenosis; Neurofibromatosis-Noonan syndrome; Juvenile myelomonocytic leukemia. Last evaluated: 2024-05-15. Review status: criteria provided, single submitter. Criteria: ACMG Guidelines, 2015. Collection method: clinical testing. Allele origin: germline.

Genome-Nilou Lab
Classification: Uncertain significance for Neurofibromatosis, type 1. Last evaluated: 2022-03-15. Review status: criteria provided, single submitter. Criteria: ACMG Guidelines, 2015. Collection method: clinical testing. Allele origin: germline. Affected: no.

GeneDx
Classification: Uncertain significance. Last evaluated: 2021-10-01. Review status: criteria provided, single submitter. Criteria: GeneDx Variant Classification Process June 2021. Collection method: clinical testing. Allele origin: germline. Affected: yes.
Comment: Has not been previously published as pathogenic or benign in association with neurodevelopmental disorders to our knowledge; In-silico analysis is inconclusive as to whether the variant alters gene splicing. In the absence of RNA/functional studies, the actual effect of this sequence change is unknown; This variant is associated with the following publications: (PMID: 30287823)

Ambry Genetics
Classification: Likely benign for Cardiovascular phenotype; Hereditary cancer-predisposing syndrome. Last evaluated: 2020-08-18. Review status: criteria provided, single submitter. Criteria: Ambry Variant Classification Scheme 2023. Collection method: clinical testing. Allele origin: germline.

Ambry Genetics
Classification: Uncertain significance for Hereditary cancer-predisposing syndrome. Last evaluated: 2014-02-25. Review status: criteria provided, single submitter. Criteria: Ambry Autosomal Dominant and X-Linked criteria (10/2015). Collection method: clinical testing. Allele origin: germline. Observed: 1 variant allele.
Comment: The c.5289A>G variant (also known as p.Q1763Q) located in coding exon 38, results from an A to G substitution at nucleotide position 5289 of the NF1 gene. This nucleotide substitution does not change the amino acid at codon 1763. This variant was previously reported in the SNPDatabase as rs199703296. Based on data from the 1000 Genomes Project, the G allele has an overall frequency of approximately 0.05% (1/2184) total alleles studied. The highest observed frequency was 0.52% (1/194) Luhya alleles. This nucleotide position is poorly conserved in available vertebrate species. This alteration is predicted to create new alternate splice donor and acceptor sites by the BDGP and ESEfinder in silico models; however, experimental evidence is not currently available. Since supporting evidence is limited at this time, the clinical significance of c.5289A>G remains unclear.

NM_001042492.3(NF1):c.5289A>G (p.Gln1763=)

Gene: NF1 (neurofibromin 1; plus strand). Cytogenetic location: 17q11.2.
Variant type: single nucleotide variant.
Coding change: c.5289A>G on transcript NM_001042492.3 (MANE Select); coding-DNA position 5289, A replaced by G.
Protein change: p.Gln1763=; no amino-acid change (glutamine 1763 retained).
Molecular consequence: synonymous variant.
Genome position (GRCh38, 1-based): chr17:31,327,519, A>G. VCF-style: chr17-31327519-A-G. GRCh37 (hg19) VCF-style: chr17-29654537-A-G.
Other names: c.5226A>G, p.Gln1742= (NM_000267.4).
Identifiers: ClinVar variation 141393 (VCV000141393.22), dbSNP rs199703296, ClinGen allele CA165305.
Genomic context (GRCh38, chr17:31,327,519, plus strand): 5'-TAATTCTTCTCCACTTCACCCCGTCACCACCACTTTCCAGGTTGGTTCTACTGCTGTCCA[A>G]GTAACTTCAGCAGAGCGAACAAAAGTCCTAGGGCAATCAGTCTTTCTAAATGACATTTAT-3'
Protein context (NP_001035957.1, residues 1753-1773): VSIKVGSTAV[Gln1763=]VTSAERTKVL